The following is an entry in ClinVar:

ClinVar aggregate classification (germline): Benign/Likely benign. Review status: criteria provided, multiple submitters, no conflicts (2 of 4 stars). 3 submissions from 3 submitters: Benign (2); Likely benign (1). Last evaluated 2024-01-22.

Allele frequency attached by ClinVar (database versions not stated): gnomAD 0.00001 and 0.00021; TOPMed 0.00003; gnomAD exomes 0.00062; ExAC 0.00080; 1000 Genomes Project 0.00160; 1000 Genomes Project 30x 0.00203.

Submissions (3):

Labcorp Genetics (formerly Invitae), Labcorp
Classification: Likely benign. Last evaluated: 2024-01-22. Review status: criteria provided, single submitter. Criteria: Invitae Variant Classification Sherloc (09022015). Collection method: clinical testing. Allele origin: germline.

CeGaT Center for Human Genetics Tuebingen
Classification: Benign. Last evaluated: 2023-06-01. Review status: criteria provided, single submitter. Criteria: CeGaT Center For Human Genetics Tuebingen Variant Classification Criteria Version 2. Collection method: clinical testing. Allele origin: germline. Affected: yes. Observed: 1 variant allele.
Comment: SIX5: BS1, BS2

GeneDx
Classification: Benign. Last evaluated: 2020-03-09. Review status: criteria provided, single submitter. Criteria: GeneDx Variant Classification Process June 2021. Collection method: clinical testing. Allele origin: germline. Affected: yes.

NM_175875.5(SIX5):c.1978G>A (p.Ala660Thr)

Gene: SIX5 (SIX homeobox 5; minus strand). Cytogenetic location: 19q13.32.
Variant type: single nucleotide variant.
Coding change: c.1978G>A on transcript NM_175875.5 (MANE Select); coding-DNA position 1978, G replaced by A.
Protein change: p.Ala660Thr; replaces alanine 660 with threonine.
Molecular consequence: missense variant.
Genome position (GRCh38, 1-based): chr19:45,765,743, C>T on the plus strand (G>A on the coding strand, the complement: SIX5 is on the minus strand). VCF-style: chr19-45765743-C-T. GRCh37 (hg19) VCF-style: chr19-46269001-C-T.
Other names: short protein forms A660T.
Identifiers: ClinVar variation 1265285 (VCV001265285.32), dbSNP rs549777158, ClinGen allele CA9520450.
Genomic context (GRCh38, chr19:45,765,743, plus strand): 5'-CCAGCAGCCCCTCTGTTCCTGCGCTTAGTTCCAGCCCTGCTGACCAGACAGGCACGGCCG[C>T]GGGTGACAACATCAGCCCCTCTGGTGGGGGCGCCGGGAAGTTGGGCAGGAGGCCAGGGGA-3'
Protein context (NP_787071.3, residues 650-670): PPPEGLMLSP[Ala660Thr]AVPVWSAGLE